The following is an entry in ClinVar:

NM_000053.4(ATP7B):c.3316_3317dup (p.Asn1108fs)

Gene: ATP7B (ATPase copper transporting beta; minus strand). Cytogenetic location: 13q14.3.
Variant type: Duplication.
Coding change: c.3316_3317dup on transcript NM_000053.4 (MANE Select); coding-DNA positions 3316 to 3317, 2 bases duplicated (GT; older notation c.3316_3317dupGT).
Protein change: p.Asn1108fs; shifts the reading frame from asparagine 1108.
Molecular consequence: frameshift variant.
Genome position (GRCh38, 1-based): chr13:51,942,481-51,942,482, AC duplicated on the plus strand (GT on the coding strand, the reverse complement: ATP7B is on the minus strand). VCF-style (leftmost placement, unchanged base first): chr13-51942480-G-GAC. GRCh37 (hg19) VCF-style: chr13-52516616-G-GAC.
Other names: c.2668_2669dup, p.Asn892fs (NM_001406545.1); c.2635_2636dup, p.Asn881fs (NM_001406546.1); c.2473_2474dup, p.Asn827fs (NM_001406547.1); c.2026_2027dup, p.Asn678fs (NM_001406548.1); c.2986_2987dup, p.Asn998fs (NM_001406535.1, NM_001406536.1); c.2977_2978dup, p.Asn995fs (NM_001406537.1); c.3082_3083dup, p.Asn1030fs (NM_001406538.1, NM_001406528.1, NM_001330578.2 and 1 more transcripts); c.2887_2888dup, p.Asn965fs (NM_001406539.1); and 19 more; short protein forms N1012fs, N1024fs, N1060fs, N1076fs, N1090fs, N1097fs, N827fs, N998fs.
Identifiers: ClinVar variation 2700344 (VCV002700344.3), dbSNP rs2547612738, ClinGen allele CA2697551886.

ClinVar aggregate classification (germline): Pathogenic (1 of 4 stars; one submission).

Conditions:
Wilson disease (WND). Also called: Wilson's disease. Identifiers: Orphanet 905, MedGen C0019202, MONDO:0010200, OMIM 277900. Disease mechanism: loss of function.

Submission:

Labcorp Genetics (formerly Invitae), Labcorp
Classification: Pathogenic for Wilson disease. Last evaluated: 2023-12-02. Review status: criteria provided, single submitter. Criteria: Invitae Variant Classification Sherloc (09022015). Collection method: clinical testing. Allele origin: germline.
Comment: This sequence change creates a premature translational stop signal (p.Asn1108Alafs*14) in the ATP7B gene. It is expected to result in an absent or disrupted protein product. Loss-of-function variants in ATP7B are known to be pathogenic (PMID: 10441329, 16283883). This variant is not present in population databases (gnomAD no frequency). This variant has not been reported in the literature in individuals affected with ATP7B-related conditions. For these reasons, this variant has been classified as Pathogenic.

Literature cited by the submitters: PubMed 10441329; PubMed 16283883.